The following is an entry in ClinVar:

ClinVar aggregate classification (germline): Likely benign. Review status: criteria provided, multiple submitters, no conflicts (2 of 4 stars). 2 submissions from 2 submitters: Likely benign (2). Last evaluated 2024-11-04.

Allele frequency attached by ClinVar (database versions not stated): gnomAD exomes below 0.00001; ExAC 0.00002; gnomAD 0.00002; TOPMed 0.00006; 1000 Genomes Project 30x 0.00016; 1000 Genomes Project 0.00020.
gnomAD v4.1: 10 of 1,611,934 alleles (0.00062%); highest among the groups gnomAD compares: African/African-American, 0.0067%; no homozygotes.

Submissions (2):

Labcorp Genetics (formerly Invitae), Labcorp
Classification: Likely benign. Last evaluated: 2024-11-04. Review status: criteria provided, single submitter. Criteria: Invitae Variant Classification Sherloc (09022015). Collection method: clinical testing. Allele origin: germline.

CeGaT Center for Human Genetics Tuebingen
Classification: Likely benign. Last evaluated: 2022-10-01. Review status: criteria provided, single submitter. Criteria: CeGaT Center For Human Genetics Tuebingen Variant Classification Criteria Version 2. Collection method: clinical testing. Allele origin: germline. Affected: yes. Observed: 1 variant allele.
Comment: PIK3C2A: BP4, BP7

NM_002645.4(PIK3C2A):c.1236A>G (p.Thr412=)

Gene: PIK3C2A (phosphatidylinositol-4-phosphate 3-kinase catalytic subunit type 2 alpha; minus strand). Cytogenetic location: 11p15.1.
Variant type: single nucleotide variant.
Coding change: c.1236A>G on transcript NM_002645.4 (MANE Select); coding-DNA position 1236, A replaced by G.
Protein change: p.Thr412=; no amino-acid change (threonine 412 retained).
Molecular consequence: synonymous variant.
Genome position (GRCh38, 1-based): chr11:17,150,589, T>C on the plus strand (A>G on the coding strand, the complement: PIK3C2A is on the minus strand). VCF-style: chr11-17150589-T-C. GRCh37 (hg19) VCF-style: chr11-17172136-T-C.
Other names: c.1236A>G, p.Thr412= (NM_001321378.2, NM_001386870.1); c.96A>G, p.Thr32= (NM_001321380.2).
Identifiers: ClinVar variation 2641641 (VCV002641641.26), dbSNP rs562277149, ClinGen allele CA5901412.
Genomic context (GRCh38, chr11:17,150,589, plus strand): 5'-TCCTTCAATGTCAATGGAGACCTTCACACTAGCATTTTCTCCGCATATGTTTCTTTGTGC[T>C]GTGACTGGACTTAACAAATAGCCTGGGTTTGTGCGGTGATTGGTATATGGAAATTTGGTC-3'
Protein context (NP_002636.2, residues 402-422): TNPGYLLSPV[Thr412=]AQRNICGENA